The following is an entry in ClinVar:

ClinVar aggregate classification (germline): Uncertain significance. Review status: criteria provided, multiple submitters, no conflicts (2 of 4 stars). 2 submissions from 2 submitters: Uncertain significance (2). Last evaluated 2025-09-01.

Allele frequency attached by ClinVar (database versions not stated): gnomAD 0.00009; TOPMed 0.00011; 1000 Genomes Project 30x 0.00031; ExAC 0.00031.

Submissions (2):

CeGaT Center for Human Genetics Tuebingen
Classification: Uncertain significance. Last evaluated: 2025-09-01. Review status: criteria provided, single submitter. Criteria: CeGaT Center For Human Genetics Tuebingen Variant Classification Criteria Version 2. Collection method: clinical testing. Allele origin: germline. Affected: yes. Observed: 1 variant allele.
Comment: SLC6A20: PM2, BP4

Ambry Genetics
Classification: Uncertain significance. Last evaluated: 2021-08-12. Review status: criteria provided, single submitter. Criteria: Ambry Variant Classification Scheme 2023. Collection method: clinical testing. Allele origin: germline.

NM_020208.4(SLC6A20):c.1048G>A (p.Glu350Lys)

Gene: SLC6A20 (solute carrier family 6 member 20; minus strand). Cytogenetic location: 3p21.31.
Variant type: single nucleotide variant.
Coding change: c.1048G>A on transcript NM_020208.4 (MANE Select); coding-DNA position 1048, G replaced by A.
Protein change: p.Glu350Lys; replaces glutamic acid 350 with lysine.
Molecular consequence: missense variant.
Genome position (GRCh38, 1-based): chr3:45,770,259, C>T on the plus strand (G>A on the coding strand, the complement: SLC6A20 is on the minus strand). VCF-style: chr3-45770259-C-T. GRCh37 (hg19) VCF-style: chr3-45811751-C-T.
Other names: c.1081G>A, p.Glu361Lys (NM_001385683.1); c.1048G>A, p.Glu350Lys (NM_001406066.1); c.907G>A, p.Glu303Lys (NM_001406067.1); c.937G>A, p.Glu313Lys (NM_001406069.1, NM_022405.4); short protein forms E361K, E303K, E350K, E313K.
Identifiers: ClinVar variation 2352426 (VCV002352426.9), dbSNP rs199831562, ClinGen allele CA2351436.